The following is an entry in ClinVar:

ClinVar aggregate classification (germline): Pathogenic/Likely pathogenic. Review status: criteria provided, multiple submitters, no conflicts (2 of 4 stars). 2 submissions from 2 submitters: Pathogenic (1); Likely pathogenic (1). Last evaluated 2025-04-14.

Conditions:
Holocarboxylase synthetase deficiency. Also called: MULTIPLE CARBOXYLASE DEFICIENCY, EARLY ONSET. Identifiers: Orphanet 79242, MedGen C0268581, MONDO:0009666, OMIM 253270.

Submissions (2):

Natera, Inc.
Classification: Likely pathogenic for Holocarboxylase synthetase deficiency. Last evaluated: 2025-04-14. Review status: criteria provided, single submitter. Criteria: Natera Variant Classification Schema (03/2026). Collection method: clinical testing. Allele origin: germline.
Comment: The c.281dup variant in HLCS is a frameshift variant predicted to shift the reading frame beginning at codon 96 and leads to a stop codon 2 codons downstream. This variant is expected to result in nonsense mediated decay, truncation, or a dysfunctional protein product. This variant is rare in the general population with a frequency below the threshold expected for the associated phenotype(s). Given the available evidence, this variant is classified as Likely Pathogenic.

Myriad Genetics, Inc.
Classification: Pathogenic for Holocarboxylase synthetase deficiency. Last evaluated: 2024-05-16. Review status: criteria provided, single submitter. Criteria: Myriad Autosomal Dominant, Autosomal Recessive and X-Linked Classification Criteria (2023). Collection method: clinical testing. Allele origin: unknown.
Comment: NM_000411.6(HLCS):c.281dupG(V96Rfs*2) is expected to be pathogenic in the context of holocarboxylase synthetase deficiency. This variant is predicted to lead to an abnormal or absent protein product due to the creation of a premature termination codon in HLCS, a gene where loss-of-function variants are known to be pathogenic. Please note: this variant was assessed in the context of healthy population screening.

NM_001352514.2(HLCS):c.722dup (p.Val243fs)

Gene: HLCS (holocarboxylase synthetase; minus strand). Cytogenetic location: 21q22.13.
Variant type: Duplication.
Coding change: c.722dup on transcript NM_001352514.2 (MANE Select); coding-DNA position 722, one base duplicated (G; older notation c.722dupG).
Protein change: p.Val243fs; shifts the reading frame from valine 243.
Molecular consequence: frameshift variant. On other transcripts: non-coding transcript variant (2).
Genome position (GRCh38, 1-based): chr21:36,937,164, C duplicated on the plus strand (G on the coding strand, the reverse complement: HLCS is on the minus strand); the first of 5 consecutive C bases (chr21:36,937,164-36,937,168); duplicating any one gives the same sequence. VCF-style (leftmost placement, unchanged base first): chr21-36937163-G-GC. GRCh37 (hg19) VCF-style: chr21-38309463-G-GC.
Other names: c.281dup, p.Val96fs (NM_000411.8, NM_001242784.3, NM_001242785.2 and 4 more transcripts); short protein forms V243fs, V96fs.
Identifiers: ClinVar variation 4069334 (VCV004069334.3).